The following is an entry in ClinVar:

NM_001190274.2(FBXO11):c.1139G>T (p.Arg380Leu)

Gene: FBXO11 (F-box protein 11; minus strand). Cytogenetic location: 2p16.3.
Variant type: single nucleotide variant.
Coding change: c.1139G>T on transcript NM_001190274.2 (MANE Select); coding-DNA position 1139, G replaced by T.
Protein change: p.Arg380Leu; replaces arginine 380 with leucine.
Molecular consequence: missense variant.
Genome position (GRCh38, 1-based): chr2:47,832,783, C>A on the plus strand (G>T on the coding strand, the complement: FBXO11 is on the minus strand). VCF-style: chr2-47832783-C-A. GRCh37 (hg19) VCF-style: chr2-48059922-C-A.
Other names: c.887G>T, p.Arg296Leu (NM_001374325.1, NM_025133.4); short protein forms R296L, R380L.
Identifiers: ClinVar variation 4278132 (VCV004278132.2).

ClinVar aggregate classification (germline): Uncertain significance. Review status: criteria provided, multiple submitters, no conflicts (2 of 4 stars). 2 submissions from 2 submitters: Uncertain significance (2). Last evaluated 2025-09-13.

Conditions:
Intellectual developmental disorder with dysmorphic facies and behavioral abnormalities. Identifiers: MedGen C4748135, MONDO:0060760, OMIM 618089.

Submissions (2):

3billion
Classification: Uncertain significance for Intellectual developmental disorder with dysmorphic facies and behavioral abnormalities. Last evaluated: 2025-09-13. Review status: criteria provided, single submitter. Criteria: ACMG Guidelines, 2015. Collection method: clinical testing. Allele origin: germline. Affected: yes.
Comment: The variant is not observed in the gnomAD v4.1.0 dataset. Predicted Consequence/Location: Missense variant Damaging effect on gene or gene product predicted by in silico programs is uncertain [REVEL: 0.49 (damaging >=0.6, benign <0.4), 3Cnet: 0.20 (damaging >0.75, benign <0.1)]. Therefore, this variant is classified as VUS according to the recommendation of ACMG/AMP guideline.

Genomic Medicine Center of Excellence, King Faisal Specialist Hospital and Research Centre
Classification: Uncertain significance for Intellectual developmental disorder with dysmorphic facies and behavioral abnormalities. Last evaluated: 2025-09-10. Review status: criteria provided, single submitter. Criteria: ACMG Guidelines, 2015. Collection method: clinical testing. Allele origin: germline.